The following is an entry in ClinVar:

NM_001080517.3(SETD5):c.664A>C (p.Thr222Pro)

Gene: SETD5 (SET domain containing 5; plus strand). Cytogenetic location: 3p25.3.
Variant type: single nucleotide variant.
Coding change: c.664A>C on transcript NM_001080517.3 (MANE Select); coding-DNA position 664, A replaced by C.
Protein change: p.Thr222Pro; replaces threonine 222 with proline.
Molecular consequence: missense variant.
Genome position (GRCh38, 1-based): chr3:9,440,552, A>C. VCF-style: chr3-9440552-A-C. GRCh37 (hg19) VCF-style: chr3-9482236-A-C.
Other names: c.370A>C, p.Thr124Pro (NM_001292043.2, NM_001349451.2); short protein forms T222P, T124P.
Identifiers: ClinVar variation 2853686 (VCV002853686.3), dbSNP rs2472657926, ClinGen allele CA351687434.

ClinVar aggregate classification (germline): Uncertain significance (1 of 4 stars; one submission).

Submission:

Labcorp Genetics (formerly Invitae), Labcorp
Classification: Uncertain significance. Last evaluated: 2023-04-08. Review status: criteria provided, single submitter. Criteria: Invitae Variant Classification Sherloc (09022015). Collection method: clinical testing. Allele origin: germline.
Comment: This variant has not been reported in the literature in individuals affected with SETD5-related conditions. This variant is not present in population databases (gnomAD no frequency). This sequence change replaces threonine, which is neutral and polar, with proline, which is neutral and non-polar, at codon 222 of the SETD5 protein (p.Thr222Pro). Advanced modeling of protein sequence and biophysical properties (such as structural, functional, and spatial information, amino acid conservation, physicochemical variation, residue mobility, and thermodynamic stability) performed at Invitae indicates that this missense variant is not expected to disrupt SETD5 protein function. In summary, the available evidence is currently insufficient to determine the role of this variant in disease. Therefore, it has been classified as a Variant of Uncertain Significance.